The following is an entry in ClinVar:

ClinVar aggregate classification (germline): Uncertain significance (1 of 4 stars; one submission).

Conditions:
ADCY3-related disorder. Also called: ADCY3-related condition.

gnomAD v4.1: 1 of 1,614,128 alleles (0.000062%); highest among the groups gnomAD compares: Admixed American, 0.0017%; no homozygotes.

Submission:

PreventionGenetics, part of Exact Sciences
Classification: Uncertain significance for ADCY3-related condition. Last evaluated: 2025-02-28. Review status: criteria provided, single submitter. Criteria: ACMG Guidelines, 2015. Collection method: clinical testing. Allele origin: germline.
Comment: The ADCY3 c.352G>A variant is predicted to result in the amino acid substitution p.Asp118Asn. To our knowledge, this variant has not been reported in the literature or in a large population database (gnomAD), indicating this variant is rare. At this time, the clinical significance of this variant is uncertain due to the absence of conclusive functional and genetic evidence.

NM_004036.5(ADCY3):c.352G>A (p.Asp118Asn)

Gene: ADCY3 (adenylate cyclase 3; minus strand). Cytogenetic location: 2p23.3.
Variant type: single nucleotide variant.
Coding change: c.352G>A on transcript NM_004036.5 (MANE Select); coding-DNA position 352, G replaced by A.
Protein change: p.Asp118Asn; replaces aspartic acid 118 with asparagine.
Molecular consequence: missense variant.
Genome position (GRCh38, 1-based): chr2:24,918,636, C>T on the plus strand (G>A on the coding strand, the complement: ADCY3 is on the minus strand). VCF-style: chr2-24918636-C-T. GRCh37 (hg19) VCF-style: chr2-25141505-C-T.
Other names: c.352G>A, p.Asp118Asn (NM_001320613.2, NM_001377128.1, NM_001377129.1 and 2 more transcripts); short protein forms D118N.
Identifiers: ClinVar variation 4979262 (VCV004979262.1).